The following is an entry in ClinVar:

NC_012920.1(MT-ATP6):m.8718_8719insT

Gene: MT-ATP6 (mitochondrially encoded ATP synthase 6; plus strand).
Variant type: Insertion.
Genome position: chrM-8718-A-AT.
Identifiers: ClinVar variation 4857762 (VCV004857762.1).

ClinVar aggregate classification (germline): Uncertain significance (1 of 4 stars; one submission).

Conditions:
MT-ATP6-related disorder.

Submission:

3billion
Classification: Uncertain significance for MT-ATP6-related disorder. Last evaluated: 2025-10-23. Review status: criteria provided, single submitter. Criteria: ACMG Guidelines, 2015. Collection method: clinical testing. Allele origin: germline. Affected: yes.
Comment: The variant is not observed in the gnomAD v4.1.0 dataset. Predicted Consequence/Location: Frameshift: predicted to result in a loss or disruption of normal protein function through protein truncation. Multiple pathogenic variants are reported in the predicted truncated region. Therefore, this variant is classified as VUS according to the recommendation of ACMG/AMP guideline.